The following is an entry in ClinVar:

NM_020975.6(RET):c.501C>G (p.Phe167Leu)

Gene: RET (ret proto-oncogene; plus strand). Cytogenetic location: 10q11.21.
Variant type: single nucleotide variant.
Coding change: c.501C>G on transcript NM_020975.6 (MANE Select); coding-DNA position 501, C replaced by G.
Protein change: p.Phe167Leu; replaces phenylalanine 167 with leucine.
Molecular consequence: missense variant. On other transcripts: intron variant (15).
Genome position (GRCh38, 1-based): chr10:43,102,505, C>G. VCF-style: chr10-43102505-C-G. GRCh37 (hg19) VCF-style: chr10-43597953-C-G.
Other names: c.501C>G, p.Phe167Leu (NM_001406772.1, NM_001406773.1, NM_001406779.1 and 14 more transcripts); c.372C>G, p.Phe124Leu (NM_001406774.1, NM_001406783.1, NM_001406786.1 and 4 more transcripts); c.337+1783C>G (NM_001406770.1, NM_001406766.1, NM_001406767.1 and 8 more transcripts); c.74-6526C>G (NM_001406784.1); c.74-9594C>G (NM_001406794.1, NM_001406792.1, NM_001406793.1); short protein forms F124L, F167L.
Identifiers: ClinVar variation 4863267 (VCV004863267.1).

ClinVar aggregate classification (germline): Uncertain significance (1 of 4 stars; one submission).

Conditions:
Hereditary cancer-predisposing syndrome. Also called: Neoplastic Syndromes, Hereditary; Tumor predisposition; Hereditary Cancer Syndrome; Hereditary neoplastic syndrome. Identifiers: Orphanet 140162, MedGen C0027672, MeSH D009386, MONDO:0015356.

Submission:

Ambry Genetics
Classification: Uncertain significance for Hereditary cancer-predisposing syndrome. Last evaluated: 2026-04-28. Review status: criteria provided, single submitter. Criteria: Ambry Variant Classification Scheme 2023. Collection method: clinical testing. Allele origin: germline.
Comment: The p.F167L variant (also known as c.501C>G), located in coding exon 3 of the RET gene, results from a C to G substitution at nucleotide position 501. The phenylalanine at codon 167 is replaced by leucine, an amino acid with highly similar properties. This amino acid position is conserved. In addition, the in silico prediction for this alteration is inconclusive. Based on the available evidence, the clinical significance of this variant remains unclear.